The following is an entry in ClinVar:

ClinVar aggregate classification (germline): Uncertain significance. Review status: criteria provided, multiple submitters, no conflicts (2 of 4 stars). 4 submissions from 4 submitters: Uncertain significance (4). Last evaluated 2025-11-13.

Conditions:
Hereditary cancer-predisposing syndrome. Also called: Hereditary Cancer Syndrome; Neoplastic Syndromes, Hereditary; Tumor predisposition; Hereditary neoplastic syndrome. Identifiers: Orphanet 140162, MedGen C0027672, MeSH D009386, MONDO:0015356.
BAP1-related tumor predisposition syndrome (TPDS1). Also called: Tumor susceptibility linked to germline BAP1 mutations; BAP1 tumor predisposition syndrome; COMMON Syndrome; TUMOR PREDISPOSITION SYNDROME 1. Identifiers: Orphanet 289539, MedGen C3280492, MONDO:0013692, OMIM 614327.

Submissions (4):

Ambry Genetics
Classification: Uncertain significance for Hereditary cancer-predisposing syndrome. Last evaluated: 2025-11-13. Review status: criteria provided, single submitter. Criteria: Ambry Variant Classification Scheme 2023. Collection method: clinical testing. Allele origin: germline.
Comment: The p.H193R variant (also known as c.578A>G), located in coding exon 7 of the BAP1 gene, results from an A to G substitution at nucleotide position 578. The histidine at codon 193 is replaced by arginine, an amino acid with highly similar properties. This amino acid position is highly conserved in available vertebrate species. In addition, this alteration is predicted to be deleterious by in silico analysis. Based on the available evidence, the clinical significance of this variant remains unclear.

Labcorp Genetics (formerly Invitae), Labcorp
Classification: Uncertain significance for BAP1-related tumor predisposition syndrome. Last evaluated: 2024-07-03. Review status: criteria provided, single submitter. Criteria: Invitae Variant Classification Sherloc (09022015). Collection method: clinical testing. Allele origin: germline.
Comment: This sequence change replaces histidine, which is basic and polar, with arginine, which is basic and polar, at codon 193 of the BAP1 protein (p.His193Arg). This variant is not present in population databases (gnomAD no frequency). This variant has not been reported in the literature in individuals affected with BAP1-related conditions. ClinVar contains an entry for this variant (Variation ID: 489638). An algorithm developed to predict the effect of missense changes on protein structure and function (PolyPhen-2) suggests that this variant is likely to be disruptive. In summary, the available evidence is currently insufficient to determine the role of this variant in disease. Therefore, it has been classified as a Variant of Uncertain Significance.

GeneDx
Classification: Uncertain significance. Last evaluated: 2022-12-06. Review status: criteria provided, single submitter. Criteria: GeneDx Variant Classification Process June 2021. Collection method: clinical testing. Allele origin: germline. Affected: yes.
Comment: Not observed at significant frequency in large population cohorts (gnomAD); In silico analysis supports that this missense variant has a deleterious effect on protein structure/function; Has not been previously published as pathogenic or benign to our knowledge

Color Diagnostics, LLC DBA Color Health
Classification: Uncertain significance for Hereditary cancer-predisposing syndrome. Last evaluated: 2019-02-28. Review status: criteria provided, single submitter. Criteria: ACMG Guidelines, 2015. Collection method: clinical testing. Allele origin: germline.

NM_004656.4(BAP1):c.578A>G (p.His193Arg)

Gene: BAP1 (BRCA1 associated deubiquitinase 1; minus strand). Cytogenetic location: 3p21.1.
Variant type: single nucleotide variant.
Coding change: c.578A>G on transcript NM_004656.4 (MANE Select); coding-DNA position 578, A replaced by G.
Protein change: p.His193Arg; replaces histidine 193 with arginine.
Molecular consequence: missense variant.
Genome position (GRCh38, 1-based): chr3:52,407,176, T>C on the plus strand (A>G on the coding strand, the complement: BAP1 is on the minus strand). VCF-style: chr3-52407176-T-C. GRCh37 (hg19) VCF-style: chr3-52441192-T-C.
Other names: c.578A>G (LRG_529t1); short protein forms H193R.
Identifiers: ClinVar variation 489638 (VCV000489638.10), dbSNP rs1553645788, ClinGen allele CA353109348.